The following is an entry in ClinVar:

NM_001014.5(RPS10):c.-37C>T

Genes: RPS10 (ribosomal protein S10; minus strand), RPS10-NUDT3 (RPS10-NUDT3 readthrough; minus strand). Cytogenetic location: 6p21.31.
Variant type: single nucleotide variant.
Coding change: c.-37C>T on transcript NM_001014.5 (MANE Select); 37 bases upstream of the start codon, C replaced by T.
Molecular consequence: 5 prime UTR variant.
Genome position (GRCh38, 1-based): chr6:34,426,068, G>A on the plus strand (C>T on the coding strand, the complement: RPS10 is on the minus strand). VCF-style: chr6-34426068-G-A. GRCh37 (hg19) VCF-style: chr6-34393845-G-A.
Other names: c.-37C>T (NM_001202470.3); c.-273C>T (NM_001203245.3); c.-41C>T (NM_001204091.2).
Identifiers: ClinVar variation 356431 (VCV000356431.5), dbSNP rs9469779, ClinGen allele CA10626505.

ClinVar aggregate classification (germline): Benign. Review status: criteria provided, multiple submitters, no conflicts (2 of 4 stars). 2 submissions from 2 submitters: Benign (2). Last evaluated 2018-01-12.

Conditions:
Diamond-Blackfan anemia 9 (DBA9). Also called: RPS10-Related Diamond-Blackfan Anemia. Identifiers: Orphanet 124, MedGen C2750081, MONDO:0013216, OMIM 613308.

Allele frequency attached by ClinVar (database versions not stated): 1000 Genomes Project 30x 0.55934; 1000 Genomes Project 0.56450; TOPMed 0.62718; gnomAD 0.65514 and 0.65560; gnomAD exomes 0.81579.
gnomAD v4.1: 99,834 of 152,264 alleles (66%); highest among the groups gnomAD compares: Non-Finnish European, 80%; 34,877 homozygotes.

Submissions (2):

Illumina Laboratory Services, Illumina
Classification: Benign for Diamond-Blackfan anemia 9. Last evaluated: 2018-01-12. Review status: criteria provided, single submitter. Criteria: ICSL Variant Classification Criteria 13 December 2019. Collection method: clinical testing. Allele origin: germline.
Comment: This variant was observed in the ICSL laboratory as part of a predisposition screen in an ostensibly healthy population. It had not been previously curated by ICSL or reported in the Human Gene Mutation Database (HGMD: prior to June 1st, 2018), and was therefore a candidate for classification through an automated scoring system. Utilizing variant allele frequency, disease prevalence and penetrance estimates, and inheritance mode, an automated score was calculated to assess if this variant is too frequent to cause the disease. Based on the score and internal cut-off values, a variant classified as benign is not then subjected to further curation. The score for this variant resulted in a classification of benign for this disease.

GeneDx
Classification: Benign. Last evaluated: 2017-02-06. Review status: criteria provided, single submitter. Criteria: GeneDx Variant Classification (06012015). Collection method: clinical testing. Allele origin: germline. Affected: yes.
Comment: This variant is considered likely benign or benign based on one or more of the following criteria: it is a conservative change, it occurs at a poorly conserved position in the protein, it is predicted to be benign by multiple in silico algorithms, and/or has population frequency not consistent with disease.